The following is an entry in ClinVar:

NM_207111.4(RNF216):c.2657C>T (p.Pro886Leu)

Gene: RNF216 (ring finger protein 216; minus strand). Cytogenetic location: 7p22.1.
Variant type: single nucleotide variant.
Coding change: c.2657C>T on transcript NM_207111.4 (MANE Select); coding-DNA position 2657, C replaced by T.
Protein change: p.Pro886Leu; replaces proline 886 with leucine.
Molecular consequence: missense variant.
Genome position (GRCh38, 1-based): chr7:5,622,975, G>A on the plus strand (C>T on the coding strand, the complement: RNF216 is on the minus strand). VCF-style: chr7-5622975-G-A. GRCh37 (hg19) VCF-style: chr7-5662606-G-A.
Other names: c.2486C>T, p.Pro829Leu (NM_001377156.1, NM_207116.3); short protein forms P829L, P886L.
Identifiers: ClinVar variation 4873694 (VCV004873694.2).
Genomic context (GRCh38, chr7:5,622,975, plus strand): 5'-GGCATGTGGATGGGACCGAAGTCATAGTTGACCCGCACGTTGGGCAGAGGGGGCACGTAC[G>A]GGGCTGGGATAGGCCCCATGTTGAGTGGGAAGTTGTTGAACACAGGCCGCACGGGAGGCA-3'
Protein context (NP_996994.1, residues 876-896): FPLNMGPIPA[Pro886Leu]YVPPLPNVRV

ClinVar aggregate classification (germline): Uncertain significance (1 of 4 stars; one submission).

gnomAD v4.1: 11 of 1,614,070 alleles (0.00068%); highest among the groups gnomAD compares: Admixed American, 0.005%; no homozygotes.

Submission:

CeGaT Center for Human Genetics Tuebingen
Classification: Uncertain significance. Last evaluated: 2026-04-01. Review status: criteria provided, single submitter. Criteria: CeGaT Center For Human Genetics Tuebingen Variant Classification Criteria Version 2. Collection method: clinical testing. Allele origin: germline. Affected: yes. Observed: 1 variant allele.
Comment: RNF216: PM2